The following is an entry in ClinVar:

NM_001369.3(DNAH5):c.5707C>T (p.Leu1903=)

Gene: DNAH5 (dynein axonemal heavy chain 5; minus strand). Cytogenetic location: 5p15.2.
Variant type: single nucleotide variant.
Coding change: c.5707C>T on transcript NM_001369.3 (MANE Select); coding-DNA position 5707, C replaced by T.
Protein change: p.Leu1903=; no amino-acid change (leucine 1903 retained).
Molecular consequence: synonymous variant.
Genome position (GRCh38, 1-based): chr5:13,840,908, G>A on the plus strand (C>T on the coding strand, the complement: DNAH5 is on the minus strand). VCF-style: chr5-13840908-G-A. GRCh37 (hg19) VCF-style: chr5-13841017-G-A.
Other names: p.Leu1903=.
Identifiers: ClinVar variation 226602 (VCV000226602.23), dbSNP rs7719896, ClinGen allele CA3203601.

ClinVar aggregate classification (germline): Benign/Likely benign. Review status: criteria provided, multiple submitters, no conflicts (2 of 4 stars). 7 submissions from 7 submitters: Benign (4); Likely benign (1). 2 of the submissions do not count toward it. Last evaluated 2026-02-01.

Conditions:
Primary ciliary dyskinesia. Also called: Ciliary dyskinesia. Identifiers: Orphanet 244, MedGen C0008780, MONDO:0016575, HP:0012265.
DNAH5-related disorder. Also called: DNAH5-related condition.

Allele frequency attached by ClinVar (database versions not stated): gnomAD exomes 0.00042 and 0.00100; ExAC 0.00126; 1000 Genomes Project 30x 0.00297; 1000 Genomes Project 0.00300; ESP Exome Variant Server 0.00392; gnomAD 0.00404 and 0.00439; TOPMed 0.00442.
gnomAD v4.1: 1,243 of 1,613,126 alleles (0.077%); highest among the groups gnomAD compares: African/African-American, 1.5%; 13 homozygotes.

Submissions (8):

Labcorp Genetics (formerly Invitae), Labcorp
Classification: Benign for Primary ciliary dyskinesia. Last evaluated: 2026-02-01. Review status: criteria provided, single submitter. Criteria: Invitae Variant Classification Sherloc (09022015). Collection method: clinical testing. Allele origin: germline.

Blueprint Genetics
Classification: Likely benign. Last evaluated: 2024-11-26. Review status: criteria provided, single submitter. Criteria: ACMG Guidelines, 2015. Collection method: clinical testing. Allele origin: germline.

Mayo Clinic Laboratories, Mayo Clinic
Classification: Benign. Last evaluated: 2024-10-16. Review status: criteria provided, single submitter. Criteria: ACMG Guidelines, 2015. Collection method: clinical testing. Allele origin: germline. Observed: 1 variant allele.
Comment: BS1, BS2, BP4, BP7

Ambry Genetics
Classification: Benign for Primary ciliary dyskinesia. Last evaluated: 2017-12-29. Review status: criteria provided, single submitter. Criteria: Ambry Variant Classification Scheme 2023. Collection method: clinical testing. Allele origin: germline.

Laboratory for Molecular Medicine, Mass General Brigham Personalized Medicine
Classification: Benign. Last evaluated: 2015-12-23. Review status: criteria provided, single submitter. Criteria: LMM Criteria. Collection method: clinical testing. Allele origin: germline. Observed: 2 variant alleles.
Comment: This variant is not expected to have clinical significance because it has been i dentified in 1.4% (142/10388) of African chromosomes by the Exome Aggregation Co nsortium (ExAC; dbSNP rs7719896).

Natera, Inc.
Classification: Benign for Primary ciliary dyskinesia. Last evaluated: 2020-09-16. Review status: no assertion criteria provided. Collection method: clinical testing. Allele origin: germline. Not counted in ClinVar's aggregate classification.

PreventionGenetics, part of Exact Sciences
Classification: Benign for DNAH5-related condition. Last evaluated: 2019-05-06. Review status: no assertion criteria provided. Collection method: clinical testing. Allele origin: germline. Not counted in ClinVar's aggregate classification.
Comment: This variant is classified as benign based on ACMG/AMP sequence variant interpretation guidelines (Richards et al. 2015 PMID: 25741868, with internal and published modifications).

Dr. Peter K. Rogan Lab, Western University
No classification provided (evidence only). Condition: Cervical cancer. Review status: no classification provided. Collection method: in vitro. Allele origin: not applicable. Functional consequence: retained intron. Not counted in ClinVar's aggregate classification.